The following is an entry in ClinVar:

ClinVar aggregate classification (germline): Benign/Likely benign. Review status: criteria provided, multiple submitters, no conflicts (2 of 4 stars). 3 submissions from 3 submitters: Benign (1); Likely benign (2). Last evaluated 2025-09-08.

Allele frequency attached by ClinVar (database versions not stated): 1000 Genomes Project 30x 0.00016; 1000 Genomes Project 0.00020; ESP Exome Variant Server 0.00038; TOPMed 0.00052; gnomAD exomes 0.00053 and 0.00067; gnomAD 0.00057 and 0.00060; ExAC 0.00058.
gnomAD v4.1: 1,047 of 1,605,058 alleles (0.065%); highest among the groups gnomAD compares: Non-Finnish European, 0.082%; 2 homozygotes.

Submissions (3):

Mayo Clinic Laboratories, Mayo Clinic
Classification: Likely benign. Last evaluated: 2025-09-08. Review status: criteria provided, single submitter. Criteria: ACMG Guidelines, 2015. Collection method: clinical testing. Allele origin: germline. Observed: 3 variant alleles.
Comment: BS1, BP7

Blueprint Genetics
Classification: Likely benign. Last evaluated: 2024-11-21. Review status: criteria provided, single submitter. Criteria: ACMG Guidelines, 2015. Collection method: clinical testing. Allele origin: germline.

GeneDx
Classification: Benign. Last evaluated: 2019-07-03. Review status: criteria provided, single submitter. Criteria: GeneDx Variant Classification Process June 2021. Collection method: clinical testing. Allele origin: germline. Affected: yes.

NM_172362.3(KCNH1):c.*6C>T

Gene: KCNH1 (potassium voltage-gated channel subfamily H member 1; minus strand). Cytogenetic location: 1q32.2.
Variant type: single nucleotide variant.
Coding change: c.*6C>T on transcript NM_172362.3 (MANE Select); 6 bases downstream of the stop codon, C replaced by T.
Molecular consequence: 3 prime UTR variant.
Genome position (GRCh38, 1-based): chr1:210,683,275, G>A on the plus strand (C>T on the coding strand, the complement: KCNH1 is on the minus strand). VCF-style: chr1-210683275-G-A. GRCh37 (hg19) VCF-style: chr1-210856617-G-A.
Other names: c.*6C>T (NM_002238.4).
Identifiers: ClinVar variation 1269525 (VCV001269525.3), dbSNP rs201235189, ClinGen allele CA1379544.